The following is an entry in ClinVar:

ClinVar aggregate classification (germline): Pathogenic (1 of 4 stars; one submission).

Conditions:
Hereditary cancer-predisposing syndrome. Also called: Neoplastic Syndromes, Hereditary; Tumor predisposition; Hereditary Cancer Syndrome; Hereditary neoplastic syndrome. Identifiers: Orphanet 140162, MedGen C0027672, MeSH D009386, MONDO:0015356.

Submission:

Ambry Genetics
Classification: Pathogenic for Hereditary cancer-predisposing syndrome. Last evaluated: 2024-10-31. Review status: criteria provided, single submitter. Criteria: Ambry Variant Classification Scheme 2023. Collection method: clinical testing. Allele origin: germline.
Comment: The c.1256_1257delAT pathogenic mutation, located in coding exon 10 of the POT1 gene, results from a deletion of two nucleotides at nucleotide positions 1256 to 1257, causing a translational frameshift with a predicted alternate stop codon (p.Y419*). This variant has been observed in at least one individual with a personal and/or family history that is consistent with POT1-related tumor predisposition syndrome (Ambry internal data). This variant is considered to be rare based on population cohorts in the Genome Aggregation Database (gnomAD). This alteration is expected to result in loss of function by premature protein truncation or nonsense-mediated mRNA decay. As such, this alteration is interpreted as a disease-causing mutation.

NM_015450.3(POT1):c.1256_1257del (p.Leu418_Tyr419insTer)

Gene: POT1 (protection of telomeres 1; minus strand). Cytogenetic location: 7q31.33.
Variant type: Microsatellite.
Coding change: c.1256_1257del on transcript NM_015450.3 (MANE Select); coding-DNA positions 1256 to 1257, 2 bases deleted (AT; older notation c.1256_1257delAT).
Protein change: p.Leu418_Tyr419insTer.
Molecular consequence: nonsense. On other transcripts: non-coding transcript variant (3).
Genome position (GRCh38, 1-based): chr7:124,841,085-124,841,086, AT deleted on the plus strand (AT on the coding strand, the reverse complement: POT1 is on the minus strand); deleting any 2 consecutive bases within chr7:124,841,085-124,841,089 gives the same sequence; the c. name uses the placement nearest the transcript's 3' end. VCF-style (leftmost placement, unchanged base first): chr7-124841084-CAT-C. GRCh37 (hg19) VCF-style: chr7-124481138-CAT-C.
Other names: c.863_864del, p.Leu287_Tyr288insTer (NM_001042594.2).
Identifiers: ClinVar variation 3423138 (VCV003423138.1).